The following is an entry in ClinVar:

ClinVar aggregate classification (germline): Uncertain significance. Review status: criteria provided, multiple submitters, no conflicts (2 of 4 stars). 2 submissions from 2 submitters: Uncertain significance (2). Last evaluated 2024-01-29.

Conditions:
Inborn genetic diseases. Identifiers: MedGen C0950123, MeSH D030342.

Submissions (2):

Ambry Genetics
Classification: Uncertain significance for Inborn genetic diseases. Last evaluated: 2024-01-29. Review status: criteria provided, single submitter. Criteria: Ambry Variant Classification Scheme 2023. Collection method: clinical testing. Allele origin: germline.

Labcorp Genetics (formerly Invitae), Labcorp
Classification: Uncertain significance. Last evaluated: 2022-03-27. Review status: criteria provided, single submitter. Criteria: Invitae Variant Classification Sherloc (09022015). Collection method: clinical testing. Allele origin: germline.
Comment: In summary, the available evidence is currently insufficient to determine the role of this variant in disease. Therefore, it has been classified as a Variant of Uncertain Significance. Algorithms developed to predict the effect of missense changes on protein structure and function (SIFT, PolyPhen-2, Align-GVGD) all suggest that this variant is likely to be tolerated. This variant has not been reported in the literature in individuals affected with GFER-related conditions. This variant is not present in population databases (gnomAD no frequency). This sequence change replaces asparagine, which is neutral and polar, with lysine, which is basic and polar, at codon 14 of the GFER protein (p.Asn14Lys).

NM_005262.3(GFER):c.42C>G (p.Asn14Lys)

Genes: GFER (growth factor, augmenter of liver regeneration; plus strand), LOC130058203 (ATAC-STARR-seq lymphoblastoid silent region 7014; plus strand). Cytogenetic location: 16p13.3.
Variant type: single nucleotide variant.
Coding change: c.42C>G on transcript NM_005262.3 (MANE Select); coding-DNA position 42, C replaced by G.
Protein change: p.Asn14Lys; replaces asparagine 14 with lysine.
Molecular consequence: missense variant.
Genome position (GRCh38, 1-based): chr16:1,984,260, C>G. VCF-style: chr16-1984260-C-G. GRCh37 (hg19) VCF-style: chr16-2034261-C-G.
Other names: c.42C>G (NM_005262.2); short protein forms N14K.
Identifiers: ClinVar variation 1908119 (VCV001908119.6), dbSNP rs1054493594, ClinGen allele CA276772884.